The following is an entry in ClinVar:

ClinVar aggregate classification (germline): Conflicting classifications of pathogenicity. Review status: criteria provided, conflicting classifications (1 of 4 stars). 2 submissions from 2 submitters: Likely pathogenic (1); Uncertain significance (1). Last evaluated 2022-09-08.

Conditions:
Koolen-de Vries syndrome (KDVS). Identifiers: Orphanet 96169, MedGen C1864871, MONDO:0012496, OMIM 610443.

Submissions (2):

Women's Health and Genetics/Laboratory Corporation of America, LabCorp
Classification: Likely pathogenic for Koolen-de Vries syndrome. Last evaluated: 2022-09-08. Review status: criteria provided, single submitter. Criteria: LabCorp Variant Classification Summary - May 2015. Collection method: clinical testing. Allele origin: germline.
Comment: Variant summary: KIAA1267 (also known as KANSL1) c.611delG (p.Gly204ValfsX2) results in a premature termination codon, predicted to cause a truncation of the encoded protein or absence of the protein due to nonsense mediated decay, which are commonly known mechanisms for disease. Truncations downstream of this position have been classified as pathogenic in ClinVar database. The variant was absent in 250078 control chromosomes (gnomAD). To our knowledge, no occurrence of c.611delG in individuals affected with Koolen-De Vries Syndrome and no experimental evidence demonstrating its impact on protein function have been reported. No clinical diagnostic laboratories have submitted clinical-significance assessments for this variant to ClinVar after 2014. Based on the evidence outlined above, the variant was classified as likely pathogenic.

Blueprint Genetics
Classification: Uncertain significance. Last evaluated: 2020-09-22. Review status: criteria provided, single submitter. Criteria: ACMG Guidelines, 2015. Collection method: clinical testing. Allele origin: germline.

NM_015443.4(KANSL1):c.611del (p.Gly204fs)

Gene: KANSL1 (KAT8 regulatory NSL complex subunit 1). Cytogenetic location: 17q21.31.
Variant type: Deletion.
Coding change: c.611del on transcript NM_015443.4 (MANE Select); coding-DNA position 611, one base deleted.
Protein change: p.Gly204fs; shifts the reading frame from glycine 204.
Molecular consequence: frameshift variant.
Genome position: GRCh38 VCF-style: chr17-46171532-AC-A. GRCh37 (hg19) VCF-style: chr17-44248898-AC-A.
Other names: c.611del, p.Gly204fs (NM_001193465.2, NM_001193466.2, NM_001379198.1); c.606delG, p.Gly204Valfs (NM_001405854.1, NM_001405855.1, NM_001405856.1 and 15 more transcripts); short protein forms G204fs.
Identifiers: ClinVar variation 1722370 (VCV001722370.2), dbSNP rs1304078301, ClinGen allele CA626683913.